The following is an entry in ClinVar:

ClinVar aggregate classification (germline): Uncertain significance (1 of 4 stars; one submission).

gnomAD v4.1: 1 of 1,614,118 alleles (0.000062%); highest among the groups gnomAD compares: Non-Finnish European, 0.000085%; no homozygotes.

Submission:

Ambry Genetics
Classification: Uncertain significance. Last evaluated: 2025-10-12. Review status: criteria provided, single submitter. Criteria: Ambry Variant Classification Scheme 2023. Collection method: clinical testing. Allele origin: germline.
Comment: The p.E292K variant (also known as c.874G>A), located in coding exon 6 of the ATRIP gene, results from a G to A substitution at nucleotide position 874. The glutamic acid at codon 292 is replaced by lysine, an amino acid with similar properties. This amino acid position is conserved. In addition, this alteration is predicted to be tolerated by in silico analysis. Based on the available evidence, the clinical significance of this variant remains unclear.

NM_130384.3(ATRIP):c.874G>A (p.Glu292Lys)

Genes: ATRIP (ATR interacting protein; plus strand), ATRIP-TREX1 (ATRIP-TREX1 readthrough; plus strand). Cytogenetic location: 3p21.31.
Variant type: single nucleotide variant.
Coding change: c.874G>A on transcript NM_130384.3 (MANE Select); coding-DNA position 874, G replaced by A.
Protein change: p.Glu292Lys; replaces glutamic acid 292 with lysine.
Molecular consequence: missense variant. On other transcripts: non-coding transcript variant (1).
Genome position (GRCh38, 1-based): chr3:48,459,403, G>A. VCF-style: chr3-48459403-G-A. GRCh37 (hg19) VCF-style: chr3-48500802-G-A.
Other names: c.493G>A, p.Glu165Lys (NM_001271022.2); c.595G>A, p.Glu199Lys (NM_001271023.2); c.874G>A, p.Glu292Lys (NM_032166.4); short protein forms E165K, E199K, E292K.
Identifiers: ClinVar variation 4644538 (VCV004644538.1).
Genomic context (GRCh38, chr3:48,459,403, plus strand): 5'-TTTTATCACATTTCAGATAGTAAGCCCCACAGTCTGAGAGGTGACTCCATAAAACAAGAA[G>A]AGGCCCAGAAAAGCTTTGTTGACAGCTGGAGACAGAGATCAAACACTCAAGGTACCAGAA-3'
Protein context (NP_569055.1, residues 282-302): SLRGDSIKQE[Glu292Lys]AQKSFVDSWR